The following is an entry in ClinVar:

ClinVar aggregate classification (germline): Uncertain significance. Review status: criteria provided, multiple submitters, no conflicts (2 of 4 stars). 3 submissions from 3 submitters: Uncertain significance (3). Last evaluated 2026-07-06.

Conditions:
Hereditary cancer-predisposing syndrome. Also called: Hereditary neoplastic syndrome; Hereditary Cancer Syndrome; Neoplastic Syndromes, Hereditary; Tumor predisposition. Identifiers: Orphanet 140162, MedGen C0027672, MeSH D009386, MONDO:0015356.

Allele frequency attached by ClinVar (database versions not stated): gnomAD exomes below 0.00001.
gnomAD v4.1: 2 of 1,547,760 alleles (0.00013%); highest among the groups gnomAD compares: Non-Finnish European, 0.00017%; no homozygotes.

Submissions (3):

Ambry Genetics
Classification: Uncertain significance for Hereditary cancer-predisposing syndrome. Last evaluated: 2026-07-06. Review status: criteria provided, single submitter. Criteria: Ambry Variant Classification Scheme 2023. Collection method: clinical testing. Allele origin: germline.
Comment: The p.A19T variant (also known as c.55G>A), located in coding exon 1 of the FH gene, results from a G to A substitution at nucleotide position 55. The alanine at codon 19 is replaced by threonine, an amino acid with similar properties. This amino acid position is conserved. In addition, this alteration is predicted to be tolerated by in silico analysis. Based on the available evidence, the clinical significance of this variant remains unclear.

Labcorp Genetics (formerly Invitae), Labcorp
Classification: Uncertain significance. Last evaluated: 2026-01-25. Review status: criteria provided, single submitter. Criteria: Invitae Variant Classification Sherloc (09022015). Collection method: clinical testing. Allele origin: germline.
Comment: This sequence change replaces alanine, which is neutral and non-polar, with threonine, which is neutral and polar, at codon 19 of the FH protein (p.Ala19Thr). This variant is not present in population databases (gnomAD no frequency). This variant has not been reported in the literature in individuals affected with FH-related conditions. ClinVar contains an entry for this variant (Variation ID: 2682731). Invitae Evidence Modeling of protein sequence and biophysical properties (such as structural, functional, and spatial information, amino acid conservation, physicochemical variation, residue mobility, and thermodynamic stability) indicates that this missense variant is not expected to disrupt FH protein function with a negative predictive value of 95%. In summary, the available evidence is currently insufficient to determine the role of this variant in disease. Therefore, it has been classified as a Variant of Uncertain Significance.

Mayo Clinic Laboratories, Mayo Clinic
Classification: Uncertain significance. Last evaluated: 2022-03-17. Review status: criteria provided, single submitter. Criteria: ACMG Guidelines, 2015. Collection method: clinical testing. Allele origin: germline. Observed: 1 variant allele.
Comment: PM2

NM_000143.4(FH):c.55G>A (p.Ala19Thr)

Gene: FH (fumarate hydratase; minus strand). Cytogenetic location: 1q43.
Variant type: single nucleotide variant.
Coding change: c.55G>A on transcript NM_000143.4 (MANE Select); coding-DNA position 55, G replaced by A.
Protein change: p.Ala19Thr; replaces alanine 19 with threonine.
Molecular consequence: missense variant.
Genome position (GRCh38, 1-based): chr1:241,519,668, C>T on the plus strand (G>A on the coding strand, the complement: FH is on the minus strand). VCF-style: chr1-241519668-C-T. GRCh37 (hg19) VCF-style: chr1-241682968-C-T.
Other names: p.Ala19Thr; short protein forms A19T.
Identifiers: ClinVar variation 2682731 (VCV002682731.3), dbSNP rs1194889415, ClinGen allele CA345442932.